The following is an entry in ClinVar:

NM_001363711.2(DUOX2):c.4033G>A (p.Glu1345Lys)

Gene: DUOX2 (dual oxidase 2; minus strand). Cytogenetic location: 15q21.1.
Variant type: single nucleotide variant.
Coding change: c.4033G>A on transcript NM_001363711.2 (MANE Select); coding-DNA position 4033, G replaced by A.
Protein change: p.Glu1345Lys; replaces glutamic acid 1345 with lysine.
Molecular consequence: missense variant.
Genome position (GRCh38, 1-based): chr15:45,095,875, C>T on the plus strand (G>A on the coding strand, the complement: DUOX2 is on the minus strand). VCF-style: chr15-45095875-C-T. GRCh37 (hg19) VCF-style: chr15-45388073-C-T.
Other names: c.4033G>A, p.Glu1345Lys (NM_014080.5); short protein forms E1345K.
Identifiers: ClinVar variation 3666782 (VCV003666782.2).

ClinVar aggregate classification (germline): Uncertain significance (1 of 4 stars; one submission).

Submission:

Labcorp Genetics (formerly Invitae), Labcorp
Classification: Uncertain significance. Last evaluated: 2025-01-20. Review status: criteria provided, single submitter. Criteria: Invitae Variant Classification Sherloc (09022015). Collection method: clinical testing. Allele origin: germline.
Comment: This sequence change replaces glutamic acid, which is acidic and polar, with lysine, which is basic and polar, at codon 1345 of the DUOX2 protein (p.Glu1345Lys). This variant is not present in population databases (gnomAD no frequency). This variant has not been reported in the literature in individuals affected with DUOX2-related conditions. Invitae Evidence Modeling of protein sequence and biophysical properties (such as structural, functional, and spatial information, amino acid conservation, physicochemical variation, residue mobility, and thermodynamic stability) has been performed for this missense variant. However, the output from this modeling did not meet the statistical confidence thresholds required to predict the impact of this variant on DUOX2 protein function. In summary, the available evidence is currently insufficient to determine the role of this variant in disease. Therefore, it has been classified as a Variant of Uncertain Significance.